The following is an entry in ClinVar:

NM_001161352.2(KCNMA1):c.168_179del (p.Ser57_Ser60del)

Gene: KCNMA1 (potassium calcium-activated channel subfamily M alpha 1; minus strand). Cytogenetic location: 10q22.3.
Variant type: Deletion.
Coding change: c.168_179del on transcript NM_001161352.2 (MANE Select); coding-DNA positions 168 to 179, 12 bases deleted (CTCCTCGTCCTC).
Protein change: p.Ser57_Ser60del.
Molecular consequence: inframe deletion.
Genome position (GRCh38, 1-based): chr10:77,637,464-77,637,475, GAGGACGAGGAG deleted on the plus strand (CTCCTCGTCCTC on the coding strand, the reverse complement: KCNMA1 is on the minus strand); deleting any 12 consecutive bases within chr10:77,637,464-77,637,477 gives the same sequence; the c. name uses the placement nearest the transcript's 3' end. VCF-style (leftmost placement, unchanged base first): chr10-77637463-CGAGGACGAGGAG-C. GRCh37 (hg19) VCF-style: chr10-79397221-CGAGGACGAGGAG-C.
Other names: c.168_179del, p.Ser57_Ser60del (NM_001014797.3, NM_001161353.2, NM_001271518.2 and 12 more transcripts).
Identifiers: ClinVar variation 969377 (VCV000969377.7), dbSNP rs1015011962, ClinGen allele CA1139661523.

ClinVar aggregate classification (germline): Uncertain significance (1 of 4 stars; one submission).

Conditions:
Generalized epilepsy-paroxysmal dyskinesia syndrome (PNKD3). Also called: Generalized epilepsy and paroxysmal dyskinesia; Paroxysmal nonkinesigenic dyskinesia, 3, with or without generalized epilepsy. Identifiers: Orphanet 79137, MedGen C5574945, MONDO:0012276, OMIM 609446.

Submission:

Labcorp Genetics (formerly Invitae), Labcorp
Classification: Uncertain significance for Generalized epilepsy-paroxysmal dyskinesia syndrome. Last evaluated: 2022-08-31. Review status: criteria provided, single submitter. Criteria: Invitae Variant Classification Sherloc (09022015). Collection method: clinical testing. Allele origin: germline.
Comment: In summary, the available evidence is currently insufficient to determine the role of this variant in disease. Therefore, it has been classified as a Variant of Uncertain Significance. Experimental studies and prediction algorithms are not available or were not evaluated, and the functional significance of this variant is currently unknown. ClinVar contains an entry for this variant (Variation ID: 969377). This variant has not been reported in the literature in individuals affected with KCNMA1-related conditions. This variant is not present in population databases (gnomAD no frequency). This variant, c.168_179del, results in the deletion of 4 amino acid(s) of the KCNMA1 protein (p.Ser57_Ser60del), but otherwise preserves the integrity of the reading frame.